The following is an entry in ClinVar:

NM_172364.5(CACNA2D4):c.1429A>G (p.Met477Val)

Gene: CACNA2D4 (calcium voltage-gated channel auxiliary subunit alpha2delta 4; minus strand). Cytogenetic location: 12p13.33.
Variant type: single nucleotide variant.
Coding change: c.1429A>G on transcript NM_172364.5 (MANE Select); coding-DNA position 1429, A replaced by G.
Protein change: p.Met477Val; replaces methionine 477 with valine.
Molecular consequence: missense variant.
Genome position (GRCh38, 1-based): chr12:1,882,923, T>C on the plus strand (A>G on the coding strand, the complement: CACNA2D4 is on the minus strand). VCF-style: chr12-1882923-T-C. GRCh37 (hg19) VCF-style: chr12-1992089-T-C.
Other names: short protein forms M477V.
Identifiers: ClinVar variation 4701077 (VCV004701077.2).

ClinVar aggregate classification (germline): Uncertain significance. Review status: criteria provided, multiple submitters, no conflicts (2 of 4 stars). 2 submissions from 2 submitters: Uncertain significance (2). Last evaluated 2026-01-13.

gnomAD v4.1: 3 of 1,613,706 alleles (0.00019%); highest among the groups gnomAD compares: Middle Eastern, 0.016%; no homozygotes.

Submissions (2):

Labcorp Genetics (formerly Invitae), Labcorp
Classification: Uncertain significance. Last evaluated: 2026-01-13. Review status: criteria provided, single submitter. Criteria: Invitae Variant Classification Sherloc (09022015). Collection method: clinical testing. Allele origin: germline.
Comment: This sequence change replaces methionine, which is neutral and non-polar, with valine, which is neutral and non-polar, at codon 477 of the CACNA2D4 protein (p.Met477Val). This variant is present in population databases (rs745546432, gnomAD 0.003%). This variant has not been reported in the literature in individuals affected with CACNA2D4-related conditions. An algorithm developed to predict the effect of missense changes on protein structure and function (PolyPhen-2) suggests that this variant is likely to be tolerated. In summary, the available evidence is currently insufficient to determine the role of this variant in disease. Therefore, it has been classified as a Variant of Uncertain Significance.

Blueprint Genetics
Classification: Uncertain significance. Last evaluated: 2023-04-26. Review status: criteria provided, single submitter. Criteria: ACMG Guidelines, 2015. Collection method: clinical testing. Allele origin: germline.